The following is an entry in ClinVar:

NM_001171.6(ABCC6):c.3604G>A (p.Val1202Met)

Gene: ABCC6 (ATP binding cassette subfamily C member 6; minus strand). Cytogenetic location: 16p13.11.
Variant type: single nucleotide variant.
Coding change: c.3604G>A on transcript NM_001171.6 (MANE Select); coding-DNA position 3604, G replaced by A.
Protein change: p.Val1202Met; replaces valine 1202 with methionine.
Molecular consequence: missense variant. On other transcripts: non-coding transcript variant (1).
Genome position (GRCh38, 1-based): chr16:16,161,467, C>T on the plus strand (G>A on the coding strand, the complement: ABCC6 is on the minus strand). VCF-style: chr16-16161467-C-T. GRCh37 (hg19) VCF-style: chr16-16255324-C-T.
Other names: c.3262G>A, p.Val1088Met (NM_001351800.1); c.3604G>A (NM_001171.5); short protein forms V1202M, V1088M.
Identifiers: ClinVar variation 1441881 (VCV001441881.8), dbSNP rs752683023, ClinGen allele CA7925518.
Genomic context (GRCh38, chr16:16,161,467, plus strand): 5'-CTCAAGCCCAGTTTGGGGATGTGGGGAGTACCTGGAGGGCAGCAGAGACAGAGAAGCCCA[C>T]GAGGCCAGCACTGAGGTGGGCTTTGCTCAGCACAGCACACGTGGCAGCTGCAAACACCAG-3'
Protein context (NP_001162.5, residues 1192-1212): LSKAHLSAGL[Val1202Met]GFSVSAALQV

ClinVar aggregate classification (germline): Uncertain significance. Review status: criteria provided, multiple submitters, no conflicts (2 of 4 stars). 4 submissions from 4 submitters: Uncertain significance (4). Last evaluated 2025-08-26.

Conditions:
Inborn genetic diseases. Identifiers: MedGen C0950123, MeSH D030342.
ABCC6-related disorder. Also called: ABCC6-related condition.
Arterial calcification, generalized, of infancy, 2. Identifiers: Orphanet 51608, MedGen C3276161, MONDO:0013768, OMIM 614473.
Autosomal recessive inherited pseudoxanthoma elasticum (PXE). Identifiers: Orphanet 758, MedGen CN032334, MONDO:0009925, OMIM 264800.
Pseudoxanthoma elasticum, forme fruste. Also called: Pseudoxanthoma Elasticum, Incomplete; PSEUDOXANTHOMA ELASTICUM, HETEROZYGOUS. Identifiers: Orphanet 758, MedGen C1867450, MONDO:0008333, OMIM 177850.

Allele frequency attached by ClinVar (database versions not stated): TOPMed 0.00003; ExAC 0.00004; gnomAD 0.00001 and 0.00002.
gnomAD v4.1: 32 of 1,613,928 alleles (0.002%); highest among the groups gnomAD compares: Middle Eastern, 0.016%; no homozygotes.

Submissions (4):

Ambry Genetics
Classification: Uncertain significance for Inborn genetic diseases. Last evaluated: 2025-08-26. Review status: criteria provided, single submitter. Criteria: Ambry Variant Classification Scheme 2023. Collection method: clinical testing. Allele origin: germline.

Fulgent Genetics
Classification: Uncertain significance for Pseudoxanthoma elasticum, forme fruste; Autosomal recessive inherited pseudoxanthoma elasticum; Arterial calcification, generalized, of infancy, 2. Last evaluated: 2024-06-18. Review status: criteria provided, single submitter. Criteria: ACMG Guidelines, 2015. Collection method: clinical testing. Allele origin: germline.

PreventionGenetics, part of Exact Sciences
Classification: Uncertain significance for ABCC6-related condition. Last evaluated: 2022-11-07. Review status: criteria provided, single submitter. Criteria: ACMG Guidelines, 2015. Collection method: clinical testing. Allele origin: germline.
Comment: The ABCC6 c.3604G>A variant is predicted to result in the amino acid substitution p.Val1202Met. To our knowledge, this variant has not been reported in the literature. This variant is reported in 0.016% of alleles in individuals of South Asian descent in gnomAD. At this time, the clinical significance of this variant is uncertain due to the absence of conclusive functional and genetic evidence.

Labcorp Genetics (formerly Invitae), Labcorp
Classification: Uncertain significance. Last evaluated: 2022-03-10. Review status: criteria provided, single submitter. Criteria: Invitae Variant Classification Sherloc (09022015). Collection method: clinical testing. Allele origin: germline.
Comment: In summary, the available evidence is currently insufficient to determine the role of this variant in disease. Therefore, it has been classified as a Variant of Uncertain Significance. Algorithms developed to predict the effect of sequence changes on RNA splicing suggest that this variant may create or strengthen a splice site. Algorithms developed to predict the effect of missense changes on protein structure and function are either unavailable or do not agree on the potential impact of this missense change (SIFT: "Deleterious"; PolyPhen-2: "Possibly Damaging"; Align-GVGD: "Class C0"). This variant has not been reported in the literature in individuals affected with ABCC6-related conditions. This variant is present in population databases (rs752683023, gnomAD 0.02%). This sequence change replaces valine, which is neutral and non-polar, with methionine, which is neutral and non-polar, at codon 1202 of the ABCC6 protein (p.Val1202Met).